The following is an entry in ClinVar:

ClinVar aggregate classification (germline): Likely benign. Review status: criteria provided, multiple submitters, no conflicts (2 of 4 stars). 4 submissions from 4 submitters: Likely benign (4). Last evaluated 2025-12-01.

Conditions:
Adams-Oliver syndrome 5 (AOS5). Identifiers: Orphanet 974, MedGen C4014970, MONDO:0014459, OMIM 616028.
Familial thoracic aortic aneurysm and aortic dissection (TAAD). Also called: Thoracic aortic aneurysms and dissections. Identifiers: Orphanet 91387, MedGen C4707243, MONDO:0019625.

Allele frequency attached by ClinVar (database versions not stated): gnomAD exomes below 0.00001; TOPMed 0.00002; gnomAD 0.00003 and 0.00004.
gnomAD v4.1: 14 of 1,612,646 alleles (0.00087%); highest among the groups gnomAD compares: Middle Eastern, 0.033%; no homozygotes.

Submissions (4):

Labcorp Genetics (formerly Invitae), Labcorp
Classification: Likely benign for Adams-Oliver syndrome 5. Last evaluated: 2025-12-01. Review status: criteria provided, single submitter. Criteria: Invitae Variant Classification Sherloc (09022015). Collection method: clinical testing. Allele origin: germline.

Ambry Genetics
Classification: Likely benign for Familial thoracic aortic aneurysm and aortic dissection. Last evaluated: 2025-04-14. Review status: criteria provided, single submitter. Criteria: Ambry Variant Classification Scheme 2023. Collection method: clinical testing. Allele origin: germline.

ARUP Laboratories, Molecular Genetics and Genomics, ARUP Laboratories
Classification: Likely benign. Last evaluated: 2025-01-29. Review status: criteria provided, single submitter. Criteria: ARUP Molecular Germline Variant Investigation Process 2024. Collection method: clinical testing. Allele origin: germline.

CeGaT Center for Human Genetics Tuebingen
Classification: Likely benign. Last evaluated: 2024-05-01. Review status: criteria provided, single submitter. Criteria: CeGaT Center For Human Genetics Tuebingen Variant Classification Criteria Version 2. Collection method: clinical testing. Allele origin: germline. Affected: yes. Observed: 2 variant alleles.
Comment: NOTCH1: BP4, BP7

NM_017617.5(NOTCH1):c.2511C>T (p.Pro837=)

Gene: NOTCH1 (notch receptor 1; minus strand). Cytogenetic location: 9q34.3.
Variant type: single nucleotide variant.
Coding change: c.2511C>T on transcript NM_017617.5 (MANE Select); coding-DNA position 2511, C replaced by T.
Protein change: p.Pro837=; no amino-acid change (proline 837 retained).
Molecular consequence: synonymous variant.
Genome position (GRCh38, 1-based): chr9:136,511,228, G>A on the plus strand (C>T on the coding strand, the complement: NOTCH1 is on the minus strand). VCF-style: chr9-136511228-G-A. GRCh37 (hg19) VCF-style: chr9-139405680-G-A.
Other names: c.2511C>T, p.Pro837= (LRG_1122t1).
Identifiers: ClinVar variation 477901 (VCV000477901.35), dbSNP rs201521828, ClinGen allele CA201583824.